The following is an entry in ClinVar:

NM_000286.3(PEX12):c.260_261insAA (p.Tyr87Ter)

Gene: PEX12 (peroxisomal biogenesis factor 12; minus strand). Cytogenetic location: 17q12.
Variant type: Insertion.
Coding change: c.260_261insAA on transcript NM_000286.3 (MANE Select); coding-DNA positions 260 to 261, AA inserted.
Protein change: p.Tyr87Ter; replaces tyrosine 87 with a stop codon.
Molecular consequence: nonsense.
Genome position: GRCh38 VCF-style: chr17-35577457-G-GTT. GRCh37 (hg19) VCF-style: chr17-33904476-G-GTT.
Other names: short protein forms Y87*.
Identifiers: ClinVar variation 1070510 (VCV001070510.13), dbSNP rs61752099, ClinGen allele CA290069664.

ClinVar aggregate classification (germline): Pathogenic/Likely pathogenic. Review status: criteria provided, multiple submitters, no conflicts (2 of 4 stars). 4 submissions from 4 submitters: Pathogenic (2); Likely pathogenic (2). Last evaluated 2025-02-12.

Conditions:
PEX12-related disorder. Also called: PEX12-related condition; PEX12-related disorders.
Peroxisome biogenesis disorder 3A (Zellweger). Also called: PEROXISOMAL BIOGENESIS DISORDER 3A (ZELLWEGER); Peroxisome biogenesis disorder 3A. Identifiers: Orphanet 912, MedGen C3553929, MONDO:0013927, OMIM 614859.

Submissions (4):

Labcorp Genetics (formerly Invitae), Labcorp
Classification: Pathogenic for Peroxisome biogenesis disorder 3A (Zellweger). Last evaluated: 2025-02-12. Review status: criteria provided, single submitter. Criteria: Invitae Variant Classification Sherloc (09022015). Collection method: clinical testing. Allele origin: germline.
Comment: This sequence change creates a premature translational stop signal (p.Tyr87*) in the PEX12 gene. It is expected to result in an absent or disrupted protein product. Loss-of-function variants in PEX12 are known to be pathogenic (PMID: 9090384, 9632816, 21031596). This variant is not present in population databases (gnomAD no frequency). This premature translational stop signal has been observed in individual(s) with Zellweger spectrum disorder (PMID: 15542397). ClinVar contains an entry for this variant (Variation ID: 1070510). For these reasons, this variant has been classified as Pathogenic.

Baylor Genetics
Classification: Pathogenic for Peroxisome biogenesis disorder 3A (Zellweger). Last evaluated: 2024-02-10. Review status: criteria provided, single submitter. Criteria: ACMG Guidelines, 2015. Collection method: clinical testing. Allele origin: unknown.

Mayo Clinic Laboratories, Mayo Clinic
Classification: Likely pathogenic. Last evaluated: 2019-12-31. Review status: criteria provided, single submitter. Criteria: ACMG Guidelines, 2015. Collection method: clinical testing. Allele origin: germline. Observed: 1 variant allele.
Comment: PVS1, PM2

Blueprint Genetics
Classification: Likely pathogenic for PEX12-related disorders. Last evaluated: 2019-10-22. Review status: criteria provided, single submitter. Criteria: ACMG Guidelines, 2015. Collection method: clinical testing. Allele origin: germline. Affected: yes. Observed: 1 variant allele.

Literature cited by the submitters: PubMed 9090384 (cited by Labcorp Genetics (formerly Invitae), Labcorp); PubMed 9632816 (cited by Labcorp Genetics (formerly Invitae), Labcorp); PubMed 21031596 (cited by Labcorp Genetics (formerly Invitae), Labcorp and Mayo Clinic Laboratories, Mayo Clinic); PubMed 15542397 (cited by Labcorp Genetics (formerly Invitae), Labcorp and Mayo Clinic Laboratories, Mayo Clinic).